The following is an entry in ClinVar:

ClinVar aggregate classification (germline): Uncertain significance (1 of 4 stars; one submission).

Allele frequency attached by ClinVar (database versions not stated): gnomAD exomes below 0.00001; TOPMed below 0.00001; gnomAD 0.00001.
gnomAD v4.1: 2 of 1,591,984 alleles (0.00013%); highest among the groups gnomAD compares: Non-Finnish European, 0.00017%; no homozygotes.

Submission:

Labcorp Genetics (formerly Invitae), Labcorp
Classification: Uncertain significance. Last evaluated: 2024-11-04. Review status: criteria provided, single submitter. Criteria: Invitae Variant Classification Sherloc (09022015). Collection method: clinical testing. Allele origin: germline.
Comment: This sequence change replaces lysine, which is basic and polar, with asparagine, which is neutral and polar, at codon 112 of the SLC25A12 protein (p.Lys112Asn). This variant is not present in population databases (gnomAD no frequency). This variant has not been reported in the literature in individuals affected with SLC25A12-related conditions. ClinVar contains an entry for this variant (Variation ID: 1426404). Invitae Evidence Modeling of protein sequence and biophysical properties (such as structural, functional, and spatial information, amino acid conservation, physicochemical variation, residue mobility, and thermodynamic stability) has been performed for this missense variant. However, the output from this modeling did not meet the statistical confidence thresholds required to predict the impact of this variant on SLC25A12 protein function. In summary, the available evidence is currently insufficient to determine the role of this variant in disease. Therefore, it has been classified as a Variant of Uncertain Significance.

NM_003705.5(SLC25A12):c.336A>T (p.Lys112Asn)

Gene: SLC25A12 (solute carrier family 25 member 12; minus strand). Cytogenetic location: 2q31.1.
Variant type: single nucleotide variant.
Coding change: c.336A>T on transcript NM_003705.5 (MANE Select); coding-DNA position 336, A replaced by T.
Protein change: p.Lys112Asn; replaces lysine 112 with asparagine.
Molecular consequence: missense variant. On other transcripts: non-coding transcript variant (1).
Genome position (GRCh38, 1-based): chr2:171,844,498, T>A on the plus strand (A>T on the coding strand, the complement: SLC25A12 is on the minus strand). VCF-style: chr2-171844498-T-A. GRCh37 (hg19) VCF-style: chr2-172701008-T-A.
Other names: short protein forms K112N.
Identifiers: ClinVar variation 1426404 (VCV001426404.5), dbSNP rs1684750084, ClinGen allele CA349626551.